The following is an entry in ClinVar:

NM_003242.6(TGFBR2):c.1598G>A (p.Cys533Tyr)

Gene: TGFBR2 (transforming growth factor beta receptor 2; plus strand). Cytogenetic location: 3p24.1.
Variant type: single nucleotide variant.
Coding change: c.1598G>A on transcript NM_003242.6 (MANE Select); coding-DNA position 1598, G replaced by A.
Protein change: p.Cys533Tyr; replaces cysteine 533 with tyrosine.
Molecular consequence: missense variant.
Genome position (GRCh38, 1-based): chr3:30,691,493, G>A. VCF-style: chr3-30691493-G-A. GRCh37 (hg19) VCF-style: chr3-30732985-G-A.
Other names: c.1673G>A, p.Cys558Tyr (NM_001024847.3); c.1781G>A, p.Cys594Tyr (NM_001407126.1); c.1706G>A, p.Cys569Tyr (NM_001407127.1); c.1625G>A, p.Cys542Tyr (NM_001407128.1); c.1601G>A, p.Cys534Tyr (NM_001407129.1); c.1595G>A, p.Cys532Tyr (NM_001407130.1); c.1493G>A, p.Cys498Tyr (NM_001407132.1, NM_001407133.1, NM_001407134.1 and 2 more transcripts); c.1313G>A, p.Cys438Tyr (NM_001407137.1); and 2 more; short protein forms C413Y, C243Y, C498Y, C533Y, C558Y, C594Y, C438Y, C532Y.
Identifiers: ClinVar variation 2987296 (VCV002987296.3), dbSNP rs2125455389, ClinGen allele CA351809634.

ClinVar aggregate classification (germline): Likely pathogenic (1 of 4 stars; one submission).

Conditions:
Familial thoracic aortic aneurysm and aortic dissection (TAAD). Also called: Thoracic aortic aneurysms and dissections. Identifiers: Orphanet 91387, MedGen C4707243, MONDO:0019625.

Submission:

Labcorp Genetics (formerly Invitae), Labcorp
Classification: Likely pathogenic for Familial thoracic aortic aneurysm and aortic dissection. Last evaluated: 2024-02-02. Review status: criteria provided, single submitter. Criteria: Invitae Variant Classification Sherloc (09022015). Collection method: clinical testing. Allele origin: germline.
Comment: This sequence change replaces cysteine, which is neutral and slightly polar, with tyrosine, which is neutral and polar, at codon 533 of the TGFBR2 protein (p.Cys533Tyr). This variant is not present in population databases (gnomAD no frequency). This missense change has been observed in individual(s) with thoracic aortic aneurysm and dissection (Invitae). Advanced modeling of protein sequence and biophysical properties (such as structural, functional, and spatial information, amino acid conservation, physicochemical variation, residue mobility, and thermodynamic stability) performed at Invitae indicates that this missense variant is expected to disrupt TGFBR2 protein function with a positive predictive value of 95%. This variant disrupts the p.Cys533 amino acid residue in TGFBR2. Other variant(s) that disrupt this residue have been determined to be pathogenic (Invitae). This suggests that this residue is clinically significant, and that variants that disrupt this residue are likely to be disease-causing. In summary, the currently available evidence indicates that the variant is pathogenic, but additional data are needed to prove that conclusively. Therefore, this variant has been classified as Likely Pathogenic.